The following is an entry in ClinVar:

ClinVar aggregate classification (germline): Uncertain significance (1 of 4 stars; one submission).

Conditions:
Primary familial hypertrophic cardiomyopathy (HCM). Identifiers: Orphanet 99739, MedGen C0949658, MeSH D024741, MONDO:0024573. Inheritance: Various modes of inheritance.
Dilated cardiomyopathy 1AA (CMD1AA). Also called: Cardiomyopathy, dilated, 1AA, with or without LVNC; CARDIOMYOPATHY, DILATED, 1AA, WITH OR WITHOUT LEFT VENTRICULAR NONCOMPACTION; CARDIOMYOPATHY, FAMILIAL HYPERTROPHIC, 23, WITH OR WITHOUT LEFT VENTRICULAR NONCOMPACTION. Identifiers: Orphanet 154, MedGen C2677338, MONDO:0012808, OMIM 612158.

Submission:

Labcorp Genetics (formerly Invitae), Labcorp
Classification: Uncertain significance for Primary familial hypertrophic cardiomyopathy; Dilated cardiomyopathy 1AA. Last evaluated: 2019-05-22. Review status: criteria provided, single submitter. Criteria: Invitae Variant Classification Sherloc (09022015). Collection method: clinical testing. Allele origin: germline.
Comment: In summary, the available evidence is currently insufficient to determine the role of this variant in disease. Therefore, it has been classified as a Variant of Uncertain Significance. Algorithms developed to predict the effect of missense changes on protein structure and function are either unavailable or do not agree on the potential impact of this missense change (SIFT: "Deleterious"; PolyPhen-2: "Benign"; Align-GVGD: "Class C35"). This variant has not been reported in the literature in individuals with ACTN2-related conditions. This variant is not present in population databases (ExAC no frequency). This sequence change replaces glutamic acid with aspartic acid at codon 421 of the ACTN2 protein (p.Glu421Asp). The glutamic acid residue is highly conserved and there is a small physicochemical difference between glutamic acid and aspartic acid.

NM_001103.4(ACTN2):c.1263G>T (p.Glu421Asp)

Gene: ACTN2 (actinin alpha 2; plus strand). Cytogenetic location: 1q43.
Variant type: single nucleotide variant.
Coding change: c.1263G>T on transcript NM_001103.4 (MANE Select); coding-DNA position 1263, G replaced by T.
Protein change: p.Glu421Asp; replaces glutamic acid 421 with aspartic acid.
Molecular consequence: missense variant.
Genome position (GRCh38, 1-based): chr1:236,744,633, G>T. VCF-style: chr1-236744633-G-T. GRCh37 (hg19) VCF-style: chr1-236907933-G-T.
Other names: c.1263G>T, p.Glu421Asp (NM_001278343.2); c.639G>T, p.Glu213Asp (NM_001278344.2); short protein forms E421D, E213D.
Identifiers: ClinVar variation 947538 (VCV000947538.10), dbSNP rs572642643, ClinGen allele CA345382607.